The following is an entry in ClinVar:

NM_000260.4(MYO7A):c.3190G>A (p.Gly1064Ser)

Gene: MYO7A (myosin VIIA; plus strand). Cytogenetic location: 11q13.5.
Variant type: single nucleotide variant.
Coding change: c.3190G>A on transcript NM_000260.4 (MANE Select); coding-DNA position 3190, G replaced by A.
Protein change: p.Gly1064Ser; replaces glycine 1064 with serine.
Molecular consequence: missense variant.
Genome position (GRCh38, 1-based): chr11:77,182,505, G>A. VCF-style: chr11-77182505-G-A. GRCh37 (hg19) VCF-style: chr11-76893550-G-A.
Other names: c.3190G>A, p.Gly1064Ser (NM_001127180.2); c.3157G>A, p.Gly1053Ser (NM_001369365.1); short protein forms G1064S, G1053S.
Identifiers: ClinVar variation 2886976 (VCV002886976.3), dbSNP rs1955326120, ClinGen allele CA381944814.
Genomic context (GRCh38, chr11:77,182,505, plus strand): 5'-ACCATCCTCCGCTTCATGGGGGACCTCCCTGAGCCCAAGTACCACACAGCCATGAGTGAT[G>A]GCAGTGAGAAGATCCCTGTGATGACCAAGATTTATGAGACCCTGGGCAAGAAGACGTACA-3'
Protein context (NP_000251.3, residues 1054-1074): EPKYHTAMSD[Gly1064Ser]SEKIPVMTKI

ClinVar aggregate classification (germline): Uncertain significance (1 of 4 stars; one submission).

Submission:

Labcorp Genetics (formerly Invitae), Labcorp
Classification: Uncertain significance. Last evaluated: 2022-12-30. Review status: criteria provided, single submitter. Criteria: Invitae Variant Classification Sherloc (09022015). Collection method: clinical testing. Allele origin: germline.
Comment: This variant is not present in population databases (gnomAD no frequency). In summary, the available evidence is currently insufficient to determine the role of this variant in disease. Therefore, it has been classified as a Variant of Uncertain Significance. Advanced modeling of protein sequence and biophysical properties (such as structural, functional, and spatial information, amino acid conservation, physicochemical variation, residue mobility, and thermodynamic stability) performed at Invitae indicates that this missense variant is not expected to disrupt MYO7A protein function. This variant has not been reported in the literature in individuals affected with MYO7A-related conditions. This sequence change replaces glycine, which is neutral and non-polar, with serine, which is neutral and polar, at codon 1064 of the MYO7A protein (p.Gly1064Ser).